The following is an entry in ClinVar:

ClinVar aggregate classification (germline): Uncertain significance (1 of 4 stars; one submission).

Submission:

Labcorp Genetics (formerly Invitae), Labcorp
Classification: Uncertain significance. Last evaluated: 2025-05-13. Review status: criteria provided, single submitter. Criteria: Invitae Variant Classification Sherloc (09022015). Collection method: clinical testing. Allele origin: germline.
Comment: This sequence change replaces valine, which is neutral and non-polar, with methionine, which is neutral and non-polar, at codon 78 of the MYO3A protein (p.Val78Met). This variant is not present in population databases (gnomAD no frequency). This variant has not been reported in the literature in individuals affected with MYO3A-related conditions. An algorithm developed to predict the effect of missense changes on protein structure and function (PolyPhen-2) suggests that this variant is likely to be disruptive. In summary, the available evidence is currently insufficient to determine the role of this variant in disease. Therefore, it has been classified as a Variant of Uncertain Significance.

NM_017433.5(MYO3A):c.232G>A (p.Val78Met)

Gene: MYO3A (myosin IIIA; plus strand). Cytogenetic location: 10p12.1.
Variant type: single nucleotide variant.
Coding change: c.232G>A on transcript NM_017433.5 (MANE Select); coding-DNA position 232, G replaced by A.
Protein change: p.Val78Met; replaces valine 78 with methionine.
Molecular consequence: missense variant.
Genome position (GRCh38, 1-based): chr10:25,954,937, G>A. VCF-style: chr10-25954937-G-A. GRCh37 (hg19) VCF-style: chr10-26243866-G-A.
Other names: c.232G>A, p.Val78Met (NM_001368265.1); short protein forms V78M.
Identifiers: ClinVar variation 4774411 (VCV004774411.1).
Genomic context (GRCh38, chr10:25,954,937, plus strand): 5'-ATTGACGAAGAGATTGAAGCAGAATATAACATCTTAAAAGCACTTTCTGACCACCCTAAT[G>A]TGGTCAGATTCTATGGGATATACTTTAAGAAGGATAAAGTAAATGGAGACAAGCTGTGGT-3'
Protein context (NP_059129.3, residues 68-88): ILKALSDHPN[Val78Met]VRFYGIYFKK